The following is an entry in ClinVar:

NM_022772.4(EPS8L2):c.19G>A (p.Val7Met)

Gene: EPS8L2 (EPS8 signaling adaptor L2; plus strand). Cytogenetic location: 11p15.5.
Variant type: single nucleotide variant.
Coding change: c.19G>A on transcript NM_022772.4 (MANE Select); coding-DNA position 19, G replaced by A.
Protein change: p.Val7Met; replaces valine 7 with methionine.
Molecular consequence: missense variant.
Genome position (GRCh38, 1-based): chr11:709,426, G>A. VCF-style: chr11-709426-G-A. GRCh37 (hg19) VCF-style: chr11-709426-G-A.
Other names: c.19G>A (NM_022772.3); short protein forms V7M.
Identifiers: ClinVar variation 2070193 (VCV002070193.5), dbSNP rs558489382, ClinGen allele CA5786961.

ClinVar aggregate classification (germline): Conflicting classifications of pathogenicity. Review status: criteria provided, conflicting classifications (1 of 4 stars). 2 submissions from 2 submitters: Uncertain significance (1); Likely benign (1). Last evaluated 2025-11-23.

Allele frequency attached by ClinVar (database versions not stated): TOPMed 0.00006.

Submissions (2):

Ambry Genetics
Classification: Likely benign. Last evaluated: 2025-11-23. Review status: criteria provided, single submitter. Criteria: Ambry Variant Classification Scheme 2023. Collection method: clinical testing. Allele origin: germline.

Labcorp Genetics (formerly Invitae), Labcorp
Classification: Uncertain significance. Last evaluated: 2024-04-15. Review status: criteria provided, single submitter. Criteria: Invitae Variant Classification Sherloc (09022015). Collection method: clinical testing. Allele origin: germline.
Comment: This sequence change replaces valine, which is neutral and non-polar, with methionine, which is neutral and non-polar, at codon 7 of the EPS8L2 protein (p.Val7Met). The frequency data for this variant in the population databases is considered unreliable, as metrics indicate poor data quality at this position in the gnomAD database. This variant has not been reported in the literature in individuals affected with EPS8L2-related conditions. ClinVar contains an entry for this variant (Variation ID: 2070193). Algorithms developed to predict the effect of missense changes on protein structure and function output the following: SIFT: "Not Available"; PolyPhen-2: "Benign"; Align-GVGD: "Not Available". The methionine amino acid residue is found in multiple mammalian species, which suggests that this missense change does not adversely affect protein function. In summary, the available evidence is currently insufficient to determine the role of this variant in disease. Therefore, it has been classified as a Variant of Uncertain Significance.